The following is an entry in ClinVar:

ClinVar aggregate classification (germline): Pathogenic (1 of 4 stars; one submission).

Conditions:
Kabuki syndrome 1 (KABUK1). Also called: KMT2D-Related Kabuki Syndrome. Identifiers: Orphanet 2322, MedGen CN030661, MONDO:0007843, OMIM 147920.

Submission:

Victorian Clinical Genetics Services, Murdoch Childrens Research Institute
Classification: Pathogenic for Kabuki syndrome 1. Last evaluated: 2020-05-25. Review status: criteria provided, single submitter. Criteria: ACMG Guidelines, 2015. Collection method: clinical testing. Allele origin: germline. Inheritance: Autosomal dominant inheritance. Affected: yes.
Comment: Based on the classification scheme VCGS_Germline_v1.1.1, this variant is classified as Pathogenic. Following criteria are met: 0102 - Loss-of-function is a known mechanism of disease for this gene. (N) 0107 - This gene is known to be associated with autosomal dominant disease. (N) 0201 - Variant is predicted to cause nonsense-mediated decay (NMD) and loss of protein (exon 43 of 54). (P) 0251 - Variant is heterozygous. (N) 0301 - Variant is absent from gnomAD. (P) 0401 - Variant is located in a gene associated with a severe early-onset dominant condition that is intolerant to loss-of-function variants. (P) 0701 - Comparable NMD-predicted variants have very strong previous evidence for pathogenicity (ClinVar). (P) 0807 - Variant has not previously been reported in a clinical context. (N) 0905 - No segregation evidence has been identified for this variant. (N) 1007 - No published functional evidence has been identified for this variant. (N) 1101 - Very strong and specific phenotype match. (P) 1208 - Inheritance information for this variant is not currently available. (N) Legend: (P) - Pathogenic, (N) - Neutral, (B) - Benign

NM_003482.4(KMT2D):c.14059C>T (p.Gln4687Ter)

Gene: KMT2D (lysine methyltransferase 2D; minus strand). Cytogenetic location: 12q13.12.
Variant type: single nucleotide variant.
Coding change: c.14059C>T on transcript NM_003482.4 (MANE Select); coding-DNA position 14059, C replaced by T.
Protein change: p.Gln4687Ter; replaces glutamine 4687 with a stop codon.
Molecular consequence: nonsense.
Genome position (GRCh38, 1-based): chr12:49,029,417, G>A on the plus strand (C>T on the coding strand, the complement: KMT2D is on the minus strand). VCF-style: chr12-49029417-G-A. GRCh37 (hg19) VCF-style: chr12-49423200-G-A.
Other names: short protein forms Q4687*.
Identifiers: ClinVar variation 1806286 (VCV001806286.1), dbSNP rs2498339461, ClinGen allele CA384699422.